The following is an entry in ClinVar:

ClinVar aggregate classification (germline): Conflicting classifications of pathogenicity. Review status: criteria provided, conflicting classifications (1 of 4 stars). 3 submissions from 3 submitters: Uncertain significance (2); Likely benign (1). Last evaluated 2025-10-27.

Conditions:
Neurofibromatosis, type 1 (NF1). Also called: Peripheral type neurofibromatosis; VON RECKLINGHAUSEN DISEASE; NEUROFIBROMATOSIS, TYPE I, SOMATIC; Neurofibromatosis, type I. Identifiers: Orphanet 636, MedGen C0027831, MONDO:0018975, OMIM 162200. Disease mechanism: loss of function.

Allele frequency attached by ClinVar (database versions not stated): gnomAD exomes below 0.00001; TOPMed below 0.00001; gnomAD 0.00001.
gnomAD v4.1: 7 of 1,578,784 alleles (0.00044%); highest among the groups gnomAD compares: Non-Finnish European, 0.00061%; no homozygotes.

Submissions (3):

Labcorp Genetics (formerly Invitae), Labcorp
Classification: Likely benign for Neurofibromatosis, type 1. Last evaluated: 2025-10-27. Review status: criteria provided, single submitter. Criteria: Invitae Variant Classification Sherloc (09022015). Collection method: clinical testing. Allele origin: germline.

Genome-Nilou Lab
Classification: Uncertain significance for Neurofibromatosis, type 1. Last evaluated: 2022-03-15. Review status: criteria provided, single submitter. Criteria: ACMG Guidelines, 2015. Collection method: clinical testing. Allele origin: germline. Affected: no.

Women's Health and Genetics/Laboratory Corporation of America, LabCorp
Classification: Uncertain significance. Last evaluated: 2018-01-02. Review status: criteria provided, single submitter. Criteria: LabCorp Variant Classification Summary - May 2015. Collection method: clinical testing. Allele origin: germline.
Comment: Variant summary: The NF1 c.6756+6T>C variant involves the alteration of a non-conserved intronic nucleotide. One in silico tool predicts a benign outcome for this variant. 5/5 splice prediction tools predict no significant impact on normal splicing. However, these predictions have yet to be confirmed by functional studies. This variant was found in 1/215414 control chromosomes at a frequency of 0.0000046, which does not exceed the estimated maximal expected allele frequency of a pathogenic NF1 variant (0.0002084). The variant of interest has not, to our knowledge, been reported in affected individuals via publications and/or reputable databases/clinical diagnostic laboratories; nor evaluated for functional impact by in vivo/vitro studies. Because of the absence of clinical information and the lack of functional studies, the variant is classified as a variant of uncertain significance (VUS) until additional information becomes available.

NM_001042492.3(NF1):c.6819+6T>C

Gene: NF1 (neurofibromin 1; plus strand). Cytogenetic location: 17q11.2.
Variant type: single nucleotide variant.
Coding change: c.6819+6T>C on transcript NM_001042492.3 (MANE Select); 6 bases into the intron after coding-DNA position 6819, T replaced by C.
Molecular consequence: intron variant.
Genome position (GRCh38, 1-based): chr17:31,338,145, T>C. VCF-style: chr17-31338145-T-C. GRCh37 (hg19) VCF-style: chr17-29665163-T-C.
Other names: c.6756+6T>C (NM_000267.4).
Identifiers: ClinVar variation 582025 (VCV000582025.10), dbSNP rs1407700643, ClinGen allele CA625780877.